The following is an entry in ClinVar:

ClinVar aggregate classification (germline): Uncertain significance. Review status: criteria provided, multiple submitters, no conflicts (2 of 4 stars). 2 submissions from 2 submitters: Uncertain significance (2). Last evaluated 2022-03-03.

Submissions (2):

GeneDx
Classification: Uncertain significance. Last evaluated: 2022-03-03. Review status: criteria provided, single submitter. Criteria: GeneDx Variant Classification Process June 2021. Collection method: clinical testing. Allele origin: germline. Affected: yes.
Comment: In silico analysis supports that this variant does not alter protein structure/function; Has not been previously published as pathogenic or benign to our knowledge

Labcorp Genetics (formerly Invitae), Labcorp
Classification: Uncertain significance. Last evaluated: 2021-09-20. Review status: criteria provided, single submitter. Criteria: Invitae Variant Classification Sherloc (09022015). Collection method: clinical testing. Allele origin: germline.
Comment: In summary, the available evidence is currently insufficient to determine the role of this variant in disease. Therefore, it has been classified as a Variant of Uncertain Significance. Experimental studies and prediction algorithms are not available or were not evaluated, and the functional significance of this variant is currently unknown. This variant has not been reported in the literature in individuals affected with KCNC3-related conditions. The frequency data for this variant in the population databases is considered unreliable, as metrics indicate insufficient coverage at this position in the ExAC database. This variant, c.122_127dup, results in the insertion of 2 amino acid(s) to the KCNC3 protein (p.Gln41_Gln42dup), but otherwise preserves the integrity of the reading frame.

NM_004977.3(KCNC3):c.116AGC[6] (p.Gln41_Gln42dup)

Genes: KCNC3 (potassium voltage-gated channel subfamily C member 3; minus strand), LOC111811967 (Sharpr-MPRA regulatory region 11330/13384; plus strand). Cytogenetic location: 19q13.33.
Variant type: Microsatellite.
Coding change: c.116AGC[6] on transcript NM_004977.3 (MANE Select); six copies in a row of the 3-base unit AGC starting at c.116; the reference has four copies in a row; two copies, 6 bases duplicated.
Protein change: p.Gln41_Gln42dup.
Molecular consequence: inframe insertion. On other transcripts: 5 prime UTR variant (1).
Genome position (GRCh38, 1-based): chr19:50,328,956-50,328,961, GCTGCT duplicated on the plus strand (AGCAGC on the coding strand, the reverse complement: KCNC3 is on the minus strand); duplicating any 6 consecutive bases within chr19:50,328,956-50,328,969 gives the same sequence; the position shown is the placement nearest the transcript's 3' end. VCF-style (leftmost placement, unchanged base first): chr19-50328955-G-GGCTGCT. GRCh37 (hg19) VCF-style: chr19-50832212-G-GGCTGCT.
Other names: c.-113AGC[6] (NM_001372305.1).
Identifiers: ClinVar variation 1520362 (VCV001520362.7), dbSNP rs1046026073, ClinGen allele CA309576157.